The following is an entry in ClinVar:

ClinVar aggregate classification (germline): Uncertain significance. Review status: reviewed by expert panel (3 of 4 stars). 3 submissions from 3 submitters: Uncertain significance (1). 2 of the submissions do not count toward it. Last evaluated 2024-09-25.

Conditions:
Inborn genetic diseases. Identifiers: MedGen C0950123, MeSH D030342.
Hereditary thrombocytopenia and hematologic cancer predisposition syndrome. Identifiers: Orphanet 71290, MedGen CN281654, MONDO:0011071.
Hereditary thrombocytopenia and hematological cancer predisposition syndrome associated with RUNX1. Also called: Familial Platelet Disorder with Propensity to Acute Myelogenous Leukemia; Familial thrombocytopenia with propensity to acute myelogenous leukemia; PLATELET DISORDER, ASPIRIN-LIKE; RUNX1 Familial Platelet Disorder with Associated Myeloid Malignancies. Identifiers: Orphanet 71290, MedGen C1832388, MeSH C563324, MONDO:0100083, OMIM 601399.

Allele frequency attached by ClinVar (database versions not stated): gnomAD exomes below 0.00001; ExAC 0.00001.

Submissions (3):

ClinGen Myeloid Malignancy Variant Curation Expert Panel
Classification: Uncertain significance for Hereditary thrombocytopenia and hematologic cancer predisposition syndrome. Last evaluated: 2024-09-25. Review status: reviewed by expert panel. Criteria: ClinGen MyeloMalig ACMG Specifications v2. Collection method: curation. Allele origin: germline. Inheritance: Autosomal dominant inheritance.
Comment: NM_001754.5(RUNX1):c.97G>A (p.Asp33Asn) is a missense variant has a SpliceAI score ≥ 0.38 (Acceptor Loss: 0.68; Donor Loss: 0.76) and is predicted to impact splicing (PP3). In summary, the clinical significance of this variant is uncertain. ACMG/AMP criteria applied, as specified by the Myeloid Malignancy Variant Curation Expert Panel for RUNX1: PP3.

Ambry Genetics
Classification: Uncertain significance for Inborn genetic diseases. Last evaluated: 2025-02-14. Review status: criteria provided, single submitter. Criteria: Ambry Variant Classification Scheme 2023. Collection method: clinical testing. Allele origin: germline. Not counted in ClinVar's aggregate classification.
Comment: The c.97G>A variant (also known as p.D33N), located in coding exon 2 of the RUNX1 gene, results from a G to A substitution at nucleotide position 97. The amino acid change results in aspartic acid to asparagine at codon 33, an amino acid with highly similar properties. However, this change occurs in the last base pair of coding exon 2, which makes it likely to have some effect on normal mRNA splicing. This nucleotide position is well conserved in available vertebrate species. This amino acid position is not well conserved in available vertebrate species. In silico splice site analysis predicts that this alteration will weaken the native splice donor site. RNA studies have demonstrated that this alteration results in a splice defect involving exons excluded from naturally occurring transcripts; the clinical impact of this abnormal splicing is unknown at this time (Ambry internal data). In addition, as a missense, this alteration is predicted to be tolerated by in silico analysis. Based on the available evidence, the clinical significance of this variant remains unclear.

Labcorp Genetics (formerly Invitae), Labcorp
Classification: Uncertain significance for Hereditary thrombocytopenia and hematological cancer predisposition syndrome associated with RUNX1. Last evaluated: 2023-06-02. Review status: criteria provided, single submitter. Criteria: Invitae Variant Classification Sherloc (09022015). Collection method: clinical testing. Allele origin: germline. Not counted in ClinVar's aggregate classification.
Comment: In summary, the available evidence is currently insufficient to determine the role of this variant in disease. Therefore, it has been classified as a Variant of Uncertain Significance. Variants that disrupt the consensus splice site are a relatively common cause of aberrant splicing (PMID: 17576681, 9536098). Studies have shown this missense change is associated with skipping of exon 3, but one or more of the resulting mRNA isoform(s) may be naturally occurring (Invitae). An algorithm developed to predict the effect of missense changes on protein structure and function (PolyPhen-2) suggests that this variant is likely to be disruptive. ClinVar contains an entry for this variant (Variation ID: 409811). This missense change has been observed in individual(s) with clinical features of thrombocytopenia (PMID: 32208489). This variant is present in population databases (rs781761402, gnomAD 0.003%). This sequence change replaces aspartic acid, which is acidic and polar, with asparagine, which is neutral and polar, at codon 33 of the RUNX1 protein (p.Asp33Asn). This variant also falls at the last nucleotide of exon 3, which is part of the consensus splice site for this exon.

Literature cited by the submitters: PubMed 17576681 (cited by Labcorp Genetics (formerly Invitae), Labcorp); PubMed 9536098 (cited by Labcorp Genetics (formerly Invitae), Labcorp); PubMed 32208489 (cited by Labcorp Genetics (formerly Invitae), Labcorp).

NM_001754.5(RUNX1):c.97G>A (p.Asp33Asn)

Gene: RUNX1 (RUNX family transcription factor 1; minus strand). Cytogenetic location: 21q22.12.
Variant type: single nucleotide variant.
Coding change: c.97G>A on transcript NM_001754.5 (MANE Select); coding-DNA position 97, G replaced by A.
Protein change: p.Asp33Asn; replaces aspartic acid 33 with asparagine.
Molecular consequence: missense variant.
Genome position (GRCh38, 1-based): chr21:34,892,925, C>T on the plus strand (G>A on the coding strand, the complement: RUNX1 is on the minus strand). VCF-style: chr21-34892925-C-T. GRCh37 (hg19) VCF-style: chr21-36265222-C-T.
Other names: NM_001754.5(RUNX1):c.97G>A; p.Asp33Asn; short protein forms D33N.
Identifiers: ClinVar variation 409811 (VCV000409811.12), dbSNP rs781761402, ClinGen allele CA10014629.